The following is an entry in ClinVar:

NM_016306.6(DNAJB11):c.725G>A (p.Arg242Gln)

Gene: DNAJB11 (DnaJ heat shock protein family (Hsp40) member B11; plus strand). Cytogenetic location: 3q27.3.
Variant type: single nucleotide variant.
Coding change: c.725G>A on transcript NM_016306.6 (MANE Select); coding-DNA position 725, G replaced by A.
Protein change: p.Arg242Gln; replaces arginine 242 with glutamine.
Molecular consequence: missense variant. On other transcripts: non-coding transcript variant (6).
Genome position (GRCh38, 1-based): chr3:186,582,758, G>A. VCF-style: chr3-186582758-G-A. GRCh37 (hg19) VCF-style: chr3-186300547-G-A.
Other names: c.449G>A, p.Arg150Gln (NM_001378451.1); short protein forms R150Q, R242Q.
Identifiers: ClinVar variation 3697528 (VCV003697528.2).
Genomic context (GRCh38, chr3:186,582,758, plus strand): 5'-GTAATCTGCTCTGACTAGGTGAGCCTCACGTGGATGGGGAGCCTGGAGATTTACGGTTCC[G>A]AATCAAAGTTGTCAAGTAAGTAATCTAATTTTAGAGGTCTTCTCAGATGAGTCAAATTAT-3'
Protein context (NP_057390.1, residues 232-252): VDGEPGDLRF[Arg242Gln]IKVVKHPIFE

ClinVar aggregate classification (germline): Uncertain significance (1 of 4 stars; one submission).

gnomAD v4.1: 9 of 1,585,344 alleles (0.00057%); highest among the groups gnomAD compares: South Asian, 0.0046%; no homozygotes.

Submission:

Labcorp Genetics (formerly Invitae), Labcorp
Classification: Uncertain significance. Last evaluated: 2024-06-25. Review status: criteria provided, single submitter. Criteria: Invitae Variant Classification Sherloc (09022015). Collection method: clinical testing. Allele origin: germline.
Comment: This sequence change replaces arginine, which is basic and polar, with glutamine, which is neutral and polar, at codon 242 of the DNAJB11 protein (p.Arg242Gln). The frequency data for this variant in the population databases is considered unreliable, as metrics indicate poor data quality at this position in the gnomAD database. This variant has not been reported in the literature in individuals affected with DNAJB11-related conditions. Advanced modeling of protein sequence and biophysical properties (such as structural, functional, and spatial information, amino acid conservation, physicochemical variation, residue mobility, and thermodynamic stability) performed at Invitae indicates that this missense variant is not expected to disrupt DNAJB11 protein function with a negative predictive value of 80%. In summary, the available evidence is currently insufficient to determine the role of this variant in disease. Therefore, it has been classified as a Variant of Uncertain Significance.